The following is an entry in ClinVar:

NM_025103.4(IFT74):c.670T>G (p.Phe224Val)

Gene: IFT74 (intraflagellar transport 74; plus strand). Cytogenetic location: 9p21.2.
Variant type: single nucleotide variant.
Coding change: c.670T>G on transcript NM_025103.4 (MANE Select); coding-DNA position 670, T replaced by G.
Protein change: p.Phe224Val; replaces phenylalanine 224 with valine.
Molecular consequence: missense variant.
Genome position (GRCh38, 1-based): chr9:27,009,102, T>G. VCF-style: chr9-27009102-T-G. GRCh37 (hg19) VCF-style: chr9-27009100-T-G.
Other names: c.670T>G, p.Phe224Val (NM_001099222.3, NM_001099223.3, NM_001099224.3 and 1 more transcripts); short protein forms F224V.
Identifiers: ClinVar variation 2019473 (VCV002019473.4), dbSNP rs17694549, ClinGen allele CA373116540.

ClinVar aggregate classification (germline): Uncertain significance (1 of 4 stars; one submission).

Submission:

Labcorp Genetics (formerly Invitae), Labcorp
Classification: Uncertain significance. Last evaluated: 2022-07-24. Review status: criteria provided, single submitter. Criteria: Invitae Variant Classification Sherloc (09022015). Collection method: clinical testing. Allele origin: germline.
Comment: In summary, the available evidence is currently insufficient to determine the role of this variant in disease. Therefore, it has been classified as a Variant of Uncertain Significance. Algorithms developed to predict the effect of missense changes on protein structure and function (SIFT, PolyPhen-2, Align-GVGD) all suggest that this variant is likely to be tolerated. This variant has not been reported in the literature in individuals affected with IFT74-related conditions. This variant is not present in population databases (gnomAD no frequency). This sequence change replaces phenylalanine, which is neutral and non-polar, with valine, which is neutral and non-polar, at codon 224 of the IFT74 protein (p.Phe224Val).